The following is an entry in ClinVar:

ClinVar aggregate classification (germline): Uncertain significance (1 of 4 stars; one submission).

Conditions:
Capillary malformation-arteriovenous malformation syndrome. Also called: Capillary malformation-arteriovenous malformation. Identifiers: Orphanet 137667, MedGen C1842180, MONDO:0012016.

gnomAD v4.1: 2 of 1,610,750 alleles (0.00012%); highest among the groups gnomAD compares: African/African-American, 0.0013%; no homozygotes.

Submission:

Labcorp Genetics (formerly Invitae), Labcorp
Classification: Uncertain significance for Capillary malformation-arteriovenous malformation syndrome. Last evaluated: 2023-03-26. Review status: criteria provided, single submitter. Criteria: Invitae Variant Classification Sherloc (09022015). Collection method: clinical testing. Allele origin: germline.
Comment: In summary, the available evidence is currently insufficient to determine the role of this variant in disease. Therefore, it has been classified as a Variant of Uncertain Significance. An algorithm developed to predict the effect of missense changes on protein structure and function (PolyPhen-2) suggests that this variant is likely to be tolerated. ClinVar contains an entry for this variant (Variation ID: 1980316). This variant has not been reported in the literature in individuals affected with RASA1-related conditions. This variant is not present in population databases (gnomAD no frequency). This sequence change replaces alanine, which is neutral and non-polar, with threonine, which is neutral and polar, at codon 502 of the RASA1 protein (p.Ala502Thr).

NM_002890.3(RASA1):c.1504G>A (p.Ala502Thr)

Genes: CCNH (cyclin H; minus strand), RASA1 (RAS p21 protein activator 1; plus strand). Cytogenetic location: 5q14.3.
Variant type: single nucleotide variant.
Coding change: c.1504G>A on transcript NM_002890.3 (MANE Select); coding-DNA position 1504, G replaced by A.
Protein change: p.Ala502Thr; replaces alanine 502 with threonine.
Molecular consequence: missense variant. On other transcripts: intron variant (1).
Genome position (GRCh38, 1-based): chr5:87,363,398, G>A. VCF-style: chr5-87363398-G-A. GRCh37 (hg19) VCF-style: chr5-86659215-G-A.
Other names: c.973G>A, p.Ala325Thr (NM_022650.3); c.933+31646C>T (NM_001364075.2); short protein forms A325T, A502T.
Identifiers: ClinVar variation 1980316 (VCV001980316.3), dbSNP rs778999159, ClinGen allele CA360369089.